The following is an entry in ClinVar:

NM_004393.6(DAG1):c.1977G>A (p.Trp659Ter)

Gene: DAG1 (dystroglycan 1; plus strand). Cytogenetic location: 3p21.31.
Variant type: single nucleotide variant.
Coding change: c.1977G>A on transcript NM_004393.6 (MANE Select); coding-DNA position 1977, G replaced by A.
Protein change: p.Trp659Ter; replaces tryptophan 659 with a stop codon.
Molecular consequence: nonsense.
Genome position (GRCh38, 1-based): chr3:49,532,488, G>A. VCF-style: chr3-49532488-G-A. GRCh37 (hg19) VCF-style: chr3-49569921-G-A.
Other names: c.1977G>A, p.Trp659Ter (NM_001165928.4, NM_001177634.3, NM_001177635.3 and 9 more transcripts); short protein forms W659*.
Identifiers: ClinVar variation 471771 (VCV000471771.7), dbSNP rs1553653437, ClinGen allele CA352796551.
Genomic context (GRCh38, chr3:49,532,488, plus strand): 5'-CCGAAACTGTAGCACCATCACCCTGCAGAATATCACCCGGGGCTCCATCGTGGTGGAATG[G>A]ACCAACAACACACTGCCCTTGGAGCCCTGCCCCAAGGAGCAGATCGCTGGGCTGAGCCGC-3'

ClinVar aggregate classification (germline): Uncertain significance (1 of 4 stars; one submission).

Conditions:
Autosomal recessive limb-girdle muscular dystrophy type 2P. Also called: MUSCULAR DYSTROPHY-DYSTROGLYCANOPATHY, LIMB-GIRDLE, DAG1-RELATED; MUSCULAR DYSTROPHY, LIMB-GIRDLE, TYPE 2P; Limb-Girdle Muscular Dystrophy Type 9C. Identifiers: Orphanet 280333, MedGen C4511963, MONDO:0013440, OMIM 613818.
Muscular dystrophy-dystroglycanopathy (congenital with brain and eye anomalies), type A9. Also called: WALKER-WARBURG SYNDROME OR MUSCLE-EYE BRAIN DISEASE, DAG1-RELATED; Muscular dystrophy-dystroglycanopathy (congenital with brain and eye anomalies), type a, 9. Identifiers: Orphanet 370997, Orphanet 899, MedGen C4225291, MONDO:0014683, OMIM 616538.

Submission:

Labcorp Genetics (formerly Invitae), Labcorp
Classification: Uncertain significance for Autosomal recessive limb-girdle muscular dystrophy type 2P; Muscular dystrophy-dystroglycanopathy (congenital with brain and eye anomalies), type A9. Last evaluated: 2022-06-04. Review status: criteria provided, single submitter. Criteria: Invitae Variant Classification Sherloc (09022015). Collection method: clinical testing. Allele origin: germline.
Comment: In summary, the available evidence is currently insufficient to determine the role of this variant in disease. Therefore, it has been classified as a Variant of Uncertain Significance. ClinVar contains an entry for this variant (Variation ID: 471771). This variant has not been reported in the literature in individuals affected with DAG1-related conditions. This variant is not present in population databases (gnomAD no frequency). This sequence change creates a premature translational stop signal (p.Trp659*) in the DAG1 gene. While this is not anticipated to result in nonsense mediated decay, it is expected to disrupt the last 237 amino acid(s) of the DAG1 protein.